The following is an entry in ClinVar:

ClinVar aggregate classification (germline): Conflicting classifications of pathogenicity. Review status: criteria provided, conflicting classifications (1 of 4 stars). 4 submissions from 4 submitters: Uncertain significance (2); Likely benign (2). Last evaluated 2026-01-19.

Allele frequency attached by ClinVar (database versions not stated): 1000 Genomes Project 30x 0.00031; 1000 Genomes Project 0.00040; TOPMed 0.00040.

Submissions (4):

Labcorp Genetics (formerly Invitae), Labcorp
Classification: Likely benign. Last evaluated: 2026-01-19. Review status: criteria provided, single submitter. Criteria: Invitae Variant Classification Sherloc (09022015). Collection method: clinical testing. Allele origin: germline.

Quest Diagnostics Nichols Institute San Juan Capistrano
Classification: Uncertain significance. Last evaluated: 2025-07-15. Review status: criteria provided, single submitter. Criteria: Quest Diagnostics criteria. Collection method: clinical testing. Allele origin: unknown.
Comment: The HBB c.*56A>G variant is located in the 3'-untranslated region of the beta-globin gene. To the best of our knowledge, this variant has not been reported in the published literature. The frequency of this variant in the general population (Genome Aggregation Database) is uninformative in the assessment of its pathogenicity. Based on the available information, we are unable to determine the clinical significance of this variant.

Women's Health and Genetics/Laboratory Corporation of America, LabCorp
Classification: Uncertain significance. Last evaluated: 2021-02-18. Review status: criteria provided, single submitter. Criteria: LabCorp Variant Classification Summary - May 2015. Collection method: clinical testing. Allele origin: germline.
Comment: Variant summary: HBB c.*56A>G is located in the untranslated mRNA region downstream of the termination codon. The variant was absent in 251040 control chromosomes (gnomAD). The available data on variant occurrences in the general population are insufficient to allow any conclusion about variant significance. To our knowledge, no occurrence of c.*56A>G in individuals affected with Hemoglobinopathy and no experimental evidence demonstrating its impact on protein function have been reported. Two other clinical diagnostic laboratories have submitted clinical-significance assessments for this variant to ClinVar after 2014 without evidence for independent evaluation and cited the variant as likely benign. Based on the evidence outlined above, the variant was classified as uncertain significance.

ARUP Laboratories, Molecular Genetics and Genomics, ARUP Laboratories
Classification: Likely benign. Last evaluated: 2018-05-02. Review status: criteria provided, single submitter. Criteria: ARUP Molecular Germline Variant Investigation Process. Collection method: clinical testing. Allele origin: germline.
Comment: The HBB c.*56A>G variant (rs537944366) has not been reported in the medical literature but is classified as a variant of uncertain significance by one laboratory in ClinVar (Variation ID: 495968) and is observed in the African population at a frequency of 0.15% (13/8730 alleles) in the Genome Aggregation Database. The nucleotide at this position is weakly conserved and computational algorithms (PolyA Signal Miner) predict that the 3â€™ UTR variant has no impact on the transcript. Based on the above information, the variant is considered likely benign.

NM_000518.5(HBB):c.*56A>G

Genes: HBB (hemoglobin subunit beta; minus strand), LOC107133510 (origin of replication at HBB; plus strand), LOC110006319 (beta-globin gene 3' regulatory region; plus strand). Cytogenetic location: 11p15.4.
Variant type: single nucleotide variant.
Coding change: c.*56A>G on transcript NM_000518.5 (MANE Select); 56 bases downstream of the stop codon, A replaced by G.
Molecular consequence: 3 prime UTR variant.
Genome position (GRCh38, 1-based): chr11:5,225,542, T>C on the plus strand (A>G on the coding strand, the complement: HBB is on the minus strand). VCF-style: chr11-5225542-T-C. GRCh37 (hg19) VCF-style: chr11-5246772-T-C.
Identifiers: ClinVar variation 495968 (VCV000495968.22), dbSNP rs537944366, ClinGen allele CA217112125.